The following is an entry in ClinVar:

ClinVar aggregate classification (germline): Uncertain significance (1 of 4 stars; one submission).

Conditions:
Immunodeficiency, common variable, 1. Also called: ANTIBODY DEFICIENCY DUE TO ICOS DEFECT. Identifiers: Orphanet 1572, Orphanet 695183, MedGen C3149378, MONDO:0011864, OMIM 607594.

Submission:

Labcorp Genetics (formerly Invitae), Labcorp
Classification: Uncertain significance for Immunodeficiency, common variable, 1. Last evaluated: 2021-09-18. Review status: criteria provided, single submitter. Criteria: Invitae Variant Classification Sherloc (09022015). Collection method: clinical testing. Allele origin: germline.
Comment: Algorithms developed to predict the effect of missense changes on protein structure and function are either unavailable or do not agree on the potential impact of this missense change (SIFT: "Deleterious"; PolyPhen-2: "Probably Damaging"; Align-GVGD: "Class C15"). This variant has not been reported in the literature in individuals affected with ICOS-related conditions. This variant is not present in population databases (ExAC no frequency). This sequence change replaces methionine with valine at codon 183 of the ICOS protein (p.Met183Val). The methionine residue is highly conserved and there is a small physicochemical difference between methionine and valine. Algorithms developed to predict the effect of sequence changes on RNA splicing suggest that this variant may create or strengthen a splice site. In summary, the available evidence is currently insufficient to determine the role of this variant in disease. Therefore, it has been classified as a Variant of Uncertain Significance.

NM_012092.4(ICOS):c.547A>G (p.Met183Val)

Gene: ICOS (inducible T cell costimulator; plus strand). Cytogenetic location: 2q33.2.
Variant type: single nucleotide variant.
Coding change: c.547A>G on transcript NM_012092.4 (MANE Select); coding-DNA position 547, A replaced by G.
Protein change: p.Met183Val; replaces methionine 183 with valine.
Molecular consequence: missense variant.
Genome position (GRCh38, 1-based): chr2:203,957,844, A>G. VCF-style: chr2-203957844-A-G. GRCh37 (hg19) VCF-style: chr2-204822567-A-G.
Other names: short protein forms M183V.
Identifiers: ClinVar variation 1427829 (VCV001427829.6), dbSNP rs2105755568, ClinGen allele CA350140681.